The following is an entry in ClinVar:

ClinVar aggregate classification (germline): Uncertain significance (1 of 4 stars; one submission).

Conditions:
Primary open angle glaucoma (POAG). Also called: OPTN-related open angle glaucoma. Identifiers: MedGen C0339573, MONDO:0100553, OMIM 137760.
Glaucoma 1, open angle, E. Identifiers: MedGen C1842026, MONDO:0007665.
Amyotrophic lateral sclerosis type 12 (ALS12). Also called: AMYOTROPHIC LATERAL SCLEROSIS 12 WITH OR WITHOUT FRONTOTEMPORAL DEMENTIA. Identifiers: Orphanet 803, MedGen C3150692, MONDO:0013264, OMIM 613435.

Allele frequency attached by ClinVar (database versions not stated): gnomAD exomes below 0.00001.
gnomAD v4.1: 1 of 1,614,034 alleles (0.000062%); highest among the groups gnomAD compares: Non-Finnish European, 0.000085%; no homozygotes.

Submission:

Labcorp Genetics (formerly Invitae), Labcorp
Classification: Uncertain significance for Primary open angle glaucoma; Glaucoma 1, open angle, E; Amyotrophic lateral sclerosis type 12. Last evaluated: 2023-03-19. Review status: criteria provided, single submitter. Criteria: Invitae Variant Classification Sherloc (09022015). Collection method: clinical testing. Allele origin: germline.
Comment: In summary, the available evidence is currently insufficient to determine the role of this variant in disease. Therefore, it has been classified as a Variant of Uncertain Significance. Advanced modeling of protein sequence and biophysical properties (such as structural, functional, and spatial information, amino acid conservation, physicochemical variation, residue mobility, and thermodynamic stability) performed at Invitae indicates that this missense variant is not expected to disrupt OPTN protein function. This variant has not been reported in the literature in individuals affected with OPTN-related conditions. This variant is not present in population databases (gnomAD no frequency). This sequence change replaces glutamine, which is neutral and polar, with lysine, which is basic and polar, at codon 138 of the OPTN protein (p.Gln138Lys).

NM_001008212.2(OPTN):c.412C>A (p.Gln138Lys)

Gene: OPTN (optineurin; plus strand). Cytogenetic location: 10p13.
Variant type: single nucleotide variant.
Coding change: c.412C>A on transcript NM_001008212.2 (MANE Select); coding-DNA position 412, C replaced by A.
Protein change: p.Gln138Lys; replaces glutamine 138 with lysine.
Molecular consequence: missense variant.
Genome position (GRCh38, 1-based): chr10:13,112,495, C>A. VCF-style: chr10-13112495-C-A. GRCh37 (hg19) VCF-style: chr10-13154495-C-A.
Other names: c.412C>A, p.Gln138Lys (NM_001008211.1, NM_001008213.1, NM_021980.4); short protein forms Q138K.
Identifiers: ClinVar variation 2943792 (VCV002943792.3), dbSNP rs2539041511, ClinGen allele CA376027850.